The following is an entry in ClinVar:

ClinVar aggregate classification (germline): Likely benign (1 of 4 stars; one submission).

Submission:

CeGaT Center for Human Genetics Tuebingen
Classification: Likely benign. Last evaluated: 2022-10-01. Review status: criteria provided, single submitter. Criteria: CeGaT Center For Human Genetics Tuebingen Variant Classification Criteria Version 2. Collection method: clinical testing. Allele origin: germline. Affected: yes. Observed: 1 variant allele.
Comment: LRTM3: PM2:Supporting, BP4, BP7

NM_001146197.3(LRTM3):c.9786A>C (p.Thr3262=)

Gene: LRTM3 (leucine rich repeat transmembrane protein 3; minus strand). Cytogenetic location: 13q33.1.
Variant type: single nucleotide variant.
Coding change: c.9786A>C on transcript NM_001146197.3 (MANE Select); coding-DNA position 9786, A replaced by C.
Protein change: p.Thr3262=; no amino-acid change (threonine 3262 retained).
Molecular consequence: synonymous variant.
Genome position (GRCh38, 1-based): chr13:102,740,911, T>G on the plus strand (A>C on the coding strand, the complement: LRTM3 is on the minus strand). VCF-style: chr13-102740911-T-G. GRCh37 (hg19) VCF-style: chr13-103393261-T-G.
Identifiers: ClinVar variation 2643908 (VCV002643908.24), dbSNP rs2138962310, ClinGen allele CA2695199776.
Genomic context (GRCh38, chr13:102,740,911, plus strand): 5'-TGACTTAATCTGAAGTACGTCCATTAAAGAGTGAGAAACAGATGCTGGAAAAGCCTCGTG[T>G]GTACTTTCTTGTGGATGTTCTTTTCTTCCTTTAATATTCAAATGTATTCCTTCTGAACAT-3'
Protein context (NP_001139669.1, residues 3252-3272): KGRKEHPQES[Thr3262=]HEAFPASVSH